The following is an entry in ClinVar:

ClinVar aggregate classification (germline): Uncertain significance (1 of 4 stars; one submission).

Submission:

CeGaT Center for Human Genetics Tuebingen
Classification: Uncertain significance. Last evaluated: 2024-06-01. Review status: criteria provided, single submitter. Criteria: CeGaT Center For Human Genetics Tuebingen Variant Classification Criteria Version 2. Collection method: clinical testing. Allele origin: germline. Affected: yes. Observed: 1 variant allele.
Comment: KDM3B: PM2

NM_016604.4(KDM3B):c.2880C>A (p.Ser960Arg)

Gene: KDM3B (lysine demethylase 3B; plus strand). Cytogenetic location: 5q31.2.
Variant type: single nucleotide variant.
Coding change: c.2880C>A on transcript NM_016604.4 (MANE Select); coding-DNA position 2880, C replaced by A.
Protein change: p.Ser960Arg; replaces serine 960 with arginine.
Molecular consequence: missense variant.
Genome position (GRCh38, 1-based): chr5:138,398,226, C>A. VCF-style: chr5-138398226-C-A. GRCh37 (hg19) VCF-style: chr5-137733915-C-A.
Other names: short protein forms S960R.
Identifiers: ClinVar variation 3251162 (VCV003251162.18), dbSNP rs1486700573.